The following is an entry in ClinVar:

NM_001083961.2(WDR62):c.391-6C>T

Gene: WDR62 (WD repeat domain 62; plus strand). Cytogenetic location: 19q13.12.
Variant type: single nucleotide variant.
Coding change: c.391-6C>T on transcript NM_001083961.2 (MANE Select); 6 bases into the intron before coding-DNA position 391, C replaced by T.
Molecular consequence: intron variant.
Genome position (GRCh38, 1-based): chr19:36,066,251, C>T. VCF-style: chr19-36066251-C-T. GRCh37 (hg19) VCF-style: chr19-36557153-C-T.
Other names: c.391-6C>T (NM_173636.5, NM_001411146.1, NM_001411145.1 and 1 more transcripts).
Identifiers: ClinVar variation 3034819 (VCV003034819.3), dbSNP rs199730336, ClinGen allele CA9395283.

ClinVar aggregate classification (germline): Likely benign. Review status: criteria provided, single submitter (1 of 4 stars). 2 submissions from 2 submitters: Likely benign (1). 1 of the submissions does not count toward it. Last evaluated 2023-12-11.

Conditions:
WDR62-related disorder. Also called: WDR62-related condition.

Allele frequency attached by ClinVar (database versions not stated): gnomAD 0.00001; gnomAD exomes 0.00001; ExAC 0.00002; TOPMed 0.00002.
gnomAD v4.1: 19 of 1,614,022 alleles (0.0012%); highest among the groups gnomAD compares: Admixed American, 0.0017%; no homozygotes.

Submissions (2):

Blueprint Genetics
Classification: Likely benign. Last evaluated: 2023-12-11. Review status: criteria provided, single submitter. Criteria: ACMG Guidelines, 2015. Collection method: clinical testing. Allele origin: germline.

PreventionGenetics, part of Exact Sciences
Classification: Likely benign for WDR62-related condition. Last evaluated: 2019-08-01. Review status: no assertion criteria provided. Collection method: clinical testing. Allele origin: germline. Not counted in ClinVar's aggregate classification.
Comment: This variant is classified as likely benign based on ACMG/AMP sequence variant interpretation guidelines (Richards et al. 2015 PMID: 25741868, with internal and published modifications).